The following is an entry in ClinVar:

ClinVar aggregate classification (germline): Uncertain significance (1 of 4 stars; one submission).

Conditions:
GBA1-related disorder. Also called: GBA1-related condition.

Submission:

PreventionGenetics, part of Exact Sciences
Classification: Uncertain significance for GBA1-related condition. Last evaluated: 2026-02-14. Review status: criteria provided, single submitter. Criteria: ACMG Guidelines, 2015. Collection method: clinical testing. Allele origin: germline.
Comment: The GBA1 c.1187G>C variant is predicted to result in the amino acid substitution p.Trp396Ser. To our knowledge, this variant has not been reported in the literature or in a large population database (gnomAD), indicating this variant is rare. An alternate missense variant affecting the same amino acid (p.Trp396Cys) has been reported in the compound heterozygous state in an individual with Gaucher disease (Arndt et al. 2009. PubMed ID: 19394250). At this time, the clinical significance of this variant is uncertain due to the absence of conclusive functional and genetic evidence.

NM_000157.4(GBA1):c.1187G>C (p.Trp396Ser)

Genes: GBA1 (glucosylceramidase beta 1; minus strand), LOC106627981 (GBA recombination region; plus strand). Cytogenetic location: 1q22.
Variant type: single nucleotide variant.
Coding change: c.1187G>C on transcript NM_000157.4 (MANE Select); coding-DNA position 1187, G replaced by C.
Protein change: p.Trp396Ser; replaces tryptophan 396 with serine.
Molecular consequence: missense variant.
Genome position (GRCh38, 1-based): chr1:155,236,282, C>G on the plus strand (G>C on the coding strand, the complement: GBA1 is on the minus strand). VCF-style: chr1-155236282-C-G. GRCh37 (hg19) VCF-style: chr1-155206073-C-G.
Other names: c.1187G>C, p.Trp396Ser (NM_001005741.3, NM_001005742.3); c.926G>C, p.Trp309Ser (NM_001171811.2); c.1040G>C, p.Trp347Ser (NM_001171812.2); short protein forms W309S, W347S, W396S.
Identifiers: ClinVar variation 4992213 (VCV004992213.1).